The following is an entry in ClinVar:

NM_000211.5(ITGB2):c.358del (p.Arg120fs)

Gene: ITGB2 (integrin subunit beta 2; minus strand). Cytogenetic location: 21q22.3.
Variant type: Deletion.
Coding change: c.358del on transcript NM_000211.5 (MANE Select); coding-DNA position 358, one base deleted (C; older notation c.358delC).
Protein change: p.Arg120fs; shifts the reading frame from arginine 120.
Molecular consequence: frameshift variant.
Genome position (GRCh38, 1-based): chr21:44,903,506, G deleted on the plus strand (C on the coding strand, the reverse complement: ITGB2 is on the minus strand); the first of 2 consecutive G bases (chr21:44,903,506-44,903,507); deleting either gives the same sequence. VCF-style (leftmost placement, unchanged base first): chr21-44903505-CG-C. GRCh37 (hg19) VCF-style: chr21-46323420-CG-C.
Other names: c.358del, p.Arg120fs (NM_001127491.3); c.151del, p.Arg51fs (NM_001303238.2); short protein forms R120fs, R51fs.
Identifiers: ClinVar variation 4705437 (VCV004705437.1).

ClinVar aggregate classification (germline): Pathogenic (1 of 4 stars; one submission).

Conditions:
Leukocyte adhesion deficiency 1 (LAD1). Also called: LEUKOCYTE ADHESION DEFICIENCY, TYPE I; LAD 1; Lymphocyte function-associated antigen 1 immunodeficiency; LFA 1 immunodeficiency. Identifiers: Orphanet 2968, Orphanet 99842, MedGen C0398738, MONDO:0007293, OMIM 116920.

Submission:

Labcorp Genetics (formerly Invitae), Labcorp
Classification: Pathogenic for Leukocyte adhesion deficiency 1. Last evaluated: 2025-09-21. Review status: criteria provided, single submitter. Criteria: Invitae Variant Classification Sherloc (09022015). Collection method: clinical testing. Allele origin: germline.
Comment: This sequence change creates a premature translational stop signal (p.Arg120Glyfs*13) in the ITGB2 gene. It is expected to result in an absent or disrupted protein product. Loss-of-function variants in ITGB2 are known to be pathogenic (PMID: 22134107, 25703682). This variant is present in population databases (no rsID available, gnomAD 0.0009%). This variant has not been reported in the literature in individuals affected with ITGB2-related conditions. For these reasons, this variant has been classified as Pathogenic.

Literature cited by the submitters: PubMed 22134107; PubMed 25703682.